The following is an entry in ClinVar:

ClinVar aggregate classification (germline): Benign/Likely benign. Review status: criteria provided, multiple submitters, no conflicts (2 of 4 stars). 2 submissions from 2 submitters: Benign (1); Likely benign (1). Last evaluated 2024-06-25.

Conditions:
Oligodontia-cancer predisposition syndrome. Also called: TOOTH AGENESIS-COLORECTAL CANCER SYNDROME. Identifiers: Orphanet 300576, MedGen C1837750, MONDO:0012075, OMIM 608615. Disease mechanism: loss of function.

Submissions (2):

Myriad Genetics, Inc.
Classification: Benign for Oligodontia-cancer predisposition syndrome. Last evaluated: 2024-06-25. Review status: criteria provided, single submitter. Criteria: Myriad Autosomal Dominant, Autosomal Recessive and X-Linked Classification Criteria (2023). Collection method: clinical testing. Allele origin: unknown.
Comment: This variant is considered benign. This variant is a silent/synonymous amino acid change and it is not expected to impact splicing.

Labcorp Genetics (formerly Invitae), Labcorp
Classification: Likely benign for Oligodontia-cancer predisposition syndrome. Last evaluated: 2023-02-14. Review status: criteria provided, single submitter. Criteria: Invitae Variant Classification Sherloc (09022015). Collection method: clinical testing. Allele origin: germline.

NM_004655.4(AXIN2):c.42C>T (p.Ser14=)

Gene: AXIN2 (axin 2; minus strand). Cytogenetic location: 17q24.1.
Variant type: single nucleotide variant.
Coding change: c.42C>T on transcript NM_004655.4 (MANE Select); coding-DNA position 42, C replaced by T.
Protein change: p.Ser14=; no amino-acid change (serine 14 retained).
Molecular consequence: synonymous variant.
Genome position (GRCh38, 1-based): chr17:65,558,579, G>A on the plus strand (C>T on the coding strand, the complement: AXIN2 is on the minus strand). VCF-style: chr17-65558579-G-A. GRCh37 (hg19) VCF-style: chr17-63554697-G-A.
Other names: c.42C>T, p.Ser14= (NM_001363813.1).
Identifiers: ClinVar variation 2918794 (VCV002918794.4), dbSNP rs2544255973, ClinGen allele CA501691715.